The following is an entry in ClinVar:

ClinVar aggregate classification (germline): Uncertain significance (1 of 4 stars; one submission).

Allele frequency attached by ClinVar (database versions not stated): TOPMed below 0.00001.
gnomAD v4.1: 2 of 1,613,950 alleles (0.00012%); highest among the groups gnomAD compares: Non-Finnish European, 0.00017%; no homozygotes.

Submission:

CeGaT Center for Human Genetics Tuebingen
Classification: Uncertain significance. Last evaluated: 2022-09-01. Review status: criteria provided, single submitter. Criteria: CeGaT Center For Human Genetics Tuebingen Variant Classification Criteria Version 2. Collection method: clinical testing. Allele origin: germline. Affected: yes. Observed: 1 variant allele.
Comment: NDRG1: PM2, BP4

NM_006096.4(NDRG1):c.389+7G>C

Gene: NDRG1 (N-myc downstream regulated 1; minus strand). Cytogenetic location: 8q24.22.
Variant type: single nucleotide variant.
Coding change: c.389+7G>C on transcript NM_006096.4 (MANE Select); 7 bases into the intron after coding-DNA position 389, G replaced by C.
Molecular consequence: intron variant.
Genome position (GRCh38, 1-based): chr8:133,259,161, C>G on the plus strand (G>C on the coding strand, the complement: NDRG1 is on the minus strand). VCF-style: chr8-133259161-C-G. GRCh37 (hg19) VCF-style: chr8-134271404-C-G.
Other names: c.191+7G>C (NM_001258432.2, NM_001374847.1); c.146+7G>C (NM_001258433.2); c.389+7G>C (NM_001374844.1, NM_001135242.2, NM_001374845.1 and 1 more transcripts).
Identifiers: ClinVar variation 1711682 (VCV001711682.30), dbSNP rs1461384796, ClinGen allele CA1821168749.